The following is an entry in ClinVar:

NM_005591.4(MRE11):c.1520C>T (p.Thr507Ile)

Gene: MRE11 (MRE11 double strand break repair nuclease; minus strand). Cytogenetic location: 11q21.
Variant type: single nucleotide variant.
Coding change: c.1520C>T on transcript NM_005591.4 (MANE Select); coding-DNA position 1520, C replaced by T.
Protein change: p.Thr507Ile; replaces threonine 507 with isoleucine.
Molecular consequence: missense variant.
Genome position (GRCh38, 1-based): chr11:94,456,319, G>A on the plus strand (C>T on the coding strand, the complement: MRE11 is on the minus strand). VCF-style: chr11-94456319-G-A. GRCh37 (hg19) VCF-style: chr11-94189485-G-A.
Other names: c.1520C>T, p.Thr507Ile (NM_001330347.2, NM_005590.4); short protein forms T507I.
Identifiers: ClinVar variation 2586199 (VCV002586199.3), dbSNP rs762851526, ClinGen allele CA382370809.

ClinVar aggregate classification (germline): Uncertain significance (1 of 4 stars; one submission).

Conditions:
Hereditary cancer-predisposing syndrome. Also called: Hereditary neoplastic syndrome; Tumor predisposition; Hereditary Cancer Syndrome; Neoplastic Syndromes, Hereditary. Identifiers: Orphanet 140162, MedGen C0027672, MeSH D009386, MONDO:0015356.

Submission:

Ambry Genetics
Classification: Uncertain significance for Hereditary cancer-predisposing syndrome. Last evaluated: 2025-10-12. Review status: criteria provided, single submitter. Criteria: Ambry Variant Classification Scheme 2023. Collection method: clinical testing. Allele origin: germline.
Comment: The p.T507I variant (also known as c.1520C>T), located in coding exon 13 of the MRE11A gene, results from a C to T substitution at nucleotide position 1520. The threonine at codon 507 is replaced by isoleucine, an amino acid with similar properties. This amino acid position is conserved. In addition, this alteration is predicted to be tolerated by in silico analysis. Since supporting evidence is limited at this time, the clinical significance of this alteration remains unclear.